The following is an entry in ClinVar:

NM_001754.5(RUNX1):c.437A>G (p.Asn146Ser)

Genes: RUNX1 (RUNX family transcription factor 1; minus strand), RUNX1-AS1 (RUNX1 antisense RNA 1; plus strand). Cytogenetic location: 21q22.12.
Variant type: single nucleotide variant.
Coding change: c.437A>G on transcript NM_001754.5 (MANE Select); coding-DNA position 437, A replaced by G.
Protein change: p.Asn146Ser; replaces asparagine 146 with serine.
Molecular consequence: missense variant.
Genome position (GRCh38, 1-based): chr21:34,880,628, T>C on the plus strand (A>G on the coding strand, the complement: RUNX1 is on the minus strand). VCF-style: chr21-34880628-T-C. GRCh37 (hg19) VCF-style: chr21-36252925-T-C.
Other names: c.356A>G, p.Asn119Ser (NM_001001890.3, NM_001122607.2); short protein forms N146S, N119S.
Identifiers: ClinVar variation 4158232 (VCV004158232.1).

ClinVar aggregate classification (germline): Uncertain significance (1 of 4 stars; one submission).

Conditions:
Inborn genetic diseases. Identifiers: MedGen C0950123, MeSH D030342.

Submission:

Ambry Genetics
Classification: Uncertain significance for Inborn genetic diseases. Last evaluated: 2025-09-04. Review status: criteria provided, single submitter. Criteria: Ambry Variant Classification Scheme 2023. Collection method: clinical testing. Allele origin: germline.
Comment: The p.N146S variant (also known as c.437A>G), located in coding exon 4 of the RUNX1 gene, results from an A to G substitution at nucleotide position 437. The asparagine at codon 146 is replaced by serine, an amino acid with highly similar properties. This amino acid position is conserved. In addition, this alteration is predicted to be deleterious by in silico analysis. Based on the available evidence, the clinical significance of this variant remains unclear.